The following is an entry in ClinVar:

ClinVar aggregate classification (germline): Uncertain significance. Review status: criteria provided, multiple submitters, no conflicts (2 of 4 stars). 2 submissions from 2 submitters: Uncertain significance (2). Last evaluated 2022-07-05.

Conditions:
Emery-Dreifuss muscular dystrophy 4, autosomal dominant (EDMD4). Also called: EMERY-DREIFUSS MUSCULAR DYSTROPHY 4 WITH VARIABLE FEATURES. Identifiers: Orphanet 261, MedGen C2751807, MONDO:0013071, OMIM 612998.
Autosomal recessive ataxia, Beauce type. Also called: Spinocerebellar ataxia, autosomal recessive 8; ATAXIA, RECESSIVE, OF BEAUCE; SYNE1 Deficiency; SYNE1-Related Autosomal Recessive Cerebellar Ataxia. Identifiers: Orphanet 88644, MedGen C1853116, MONDO:0012549, OMIM 610743.

Submissions (2):

Labcorp Genetics (formerly Invitae), Labcorp
Classification: Uncertain significance for Emery-Dreifuss muscular dystrophy 4, autosomal dominant; Autosomal recessive ataxia, Beauce type. Last evaluated: 2022-07-05. Review status: criteria provided, single submitter. Criteria: Invitae Variant Classification Sherloc (09022015). Collection method: clinical testing. Allele origin: germline.
Comment: In summary, the available evidence is currently insufficient to determine the role of this variant in disease. Therefore, it has been classified as a Variant of Uncertain Significance. Algorithms developed to predict the effect of sequence changes on RNA splicing suggest that this variant may create or strengthen a splice site. Algorithms developed to predict the effect of missense changes on protein structure and function (SIFT, PolyPhen-2, Align-GVGD) all suggest that this variant is likely to be disruptive. ClinVar contains an entry for this variant (Variation ID: 1062168). This variant has not been reported in the literature in individuals affected with SYNE1-related conditions. This variant is not present in population databases (gnomAD no frequency). This sequence change replaces cysteine, which is neutral and slightly polar, with glycine, which is neutral and non-polar, at codon 4425 of the SYNE1 protein (p.Cys4425Gly).

Revvity Omics, Revvity
Classification: Uncertain significance. Last evaluated: 2019-06-03. Review status: criteria provided, single submitter. Criteria: ACMG Guidelines, 2015. Collection method: clinical testing. Allele origin: germline.

NM_182961.4(SYNE1):c.13486T>G (p.Cys4496Gly)

Gene: SYNE1 (spectrin repeat containing nuclear envelope protein 1; minus strand). Cytogenetic location: 6q25.2.
Variant type: single nucleotide variant.
Coding change: c.13486T>G on transcript NM_182961.4 (MANE Select); coding-DNA position 13486, T replaced by G.
Protein change: p.Cys4496Gly; replaces cysteine 4496 with glycine.
Molecular consequence: missense variant.
Genome position (GRCh38, 1-based): chr6:152,331,199, A>C on the plus strand (T>G on the coding strand, the complement: SYNE1 is on the minus strand). VCF-style: chr6-152331199-A-C. GRCh37 (hg19) VCF-style: chr6-152652334-A-C.
Other names: c.13273T>G (NM_033071.3); c.13273T>G, p.Cys4425Gly (NM_033071.5); short protein forms C4425G, C4496G.
Identifiers: ClinVar variation 1062168 (VCV001062168.11), dbSNP rs2153973254, ClinGen allele CA366101576.